The following is an entry in ClinVar:

ClinVar aggregate classification (germline): Pathogenic (1 of 4 stars; one submission).

Conditions:
Cone-rod dystrophy 6 (CORD6). Also called: Cone dystrophy progressive; RETINAL CONE DYSTROPHY 2. Identifiers: Orphanet 1872, MedGen C1866293, MONDO:0011143, OMIM 601777.
Leber congenital amaurosis 1 (LCA1). Also called: RETINAL BLINDNESS, CONGENITAL; AMAUROSIS CONGENITA OF LEBER I; Congenital absence of the rods and cones; Leber's congenital tapetoretinal degeneration; Leber's congenital tapetoretinal dysplasia. Identifiers: Orphanet 65, MedGen C2931258, MONDO:0008764, OMIM 204000.

Submission:

Labcorp Genetics (formerly Invitae), Labcorp
Classification: Pathogenic for Leber congenital amaurosis 1; Cone-rod dystrophy 6. Last evaluated: 2022-06-04. Review status: criteria provided, single submitter. Criteria: Invitae Variant Classification Sherloc (09022015). Collection method: clinical testing. Allele origin: germline.
Comment: Algorithms developed to predict the effect of sequence changes on RNA splicing suggest that this variant may create or strengthen a splice site. For these reasons, this variant has been classified as Pathogenic. This variant has not been reported in the literature in individuals affected with GUCY2D-related conditions. This variant is not present in population databases (gnomAD no frequency). This sequence change creates a premature translational stop signal (p.Glu261Valfs*58) in the GUCY2D gene. It is expected to result in an absent or disrupted protein product. Loss-of-function variants in GUCY2D are known to be pathogenic (PMID: 10951519, 11328726).

Literature cited by the submitters: PubMed 10951519; PubMed 11328726.

NM_000180.4(GUCY2D):c.781_782insT (p.Glu261fs)

Gene: GUCY2D (guanylate cyclase 2D, retinal; plus strand). Cytogenetic location: 17p13.1.
Variant type: Insertion.
Coding change: c.781_782insT on transcript NM_000180.4 (MANE Select); coding-DNA positions 781 to 782, T inserted.
Protein change: p.Glu261fs; shifts the reading frame from glutamic acid 261.
Molecular consequence: frameshift variant.
Genome position: GRCh38 VCF-style: chr17-8003911-G-GT. GRCh37 (hg19) VCF-style: chr17-7907229-G-GT.
Other names: short protein forms E261fs.
Identifiers: ClinVar variation 2060321 (VCV002060321.4), dbSNP rs2545418608, ClinGen allele CA2580094911.